The following is an entry in ClinVar:

ClinVar aggregate classification (germline): Conflicting classifications of pathogenicity. Review status: criteria provided, conflicting classifications (1 of 4 stars). 2 submissions from 2 submitters: Uncertain significance (1); Likely benign (1). Last evaluated 2023-07-25.

Conditions:
Menkes kinky-hair syndrome (MNK). Also called: Copper transport disease; Classic Menkes Disease; Menkes Disease. Identifiers: Orphanet 565, MedGen C0022716, MONDO:0010651, OMIM 309400.
Cutis laxa, X-linked (OHS). Also called: EDS IX; Occipital horn syndrome. Identifiers: Orphanet 198, MedGen C0268353, MONDO:0010572, OMIM 304150.
X-linked distal spinal muscular atrophy type 3. Also called: SPINAL MUSCULAR ATROPHY, DISTAL, X-LINKED RECESSIVE; ATP7A-Related Distal Motor Neuropathy; NEURONOPATHY, DISTAL HEREDITARY MOTOR, X-LINKED; NEUROPATHY, DISTAL HEREDITARY MOTOR, X-LINKED. Identifiers: Orphanet 139557, MedGen C1845359, MONDO:0010338, OMIM 300489.

Submissions (2):

Labcorp Genetics (formerly Invitae), Labcorp
Classification: Likely benign for X-linked distal spinal muscular atrophy type 3; Cutis laxa, X-linked; Menkes kinky-hair syndrome. Last evaluated: 2023-07-25. Review status: criteria provided, single submitter. Criteria: Invitae Variant Classification Sherloc (09022015). Collection method: clinical testing. Allele origin: germline.

Victorian Clinical Genetics Services, Murdoch Childrens Research Institute
Classification: Uncertain significance for Menkes kinky-hair syndrome. Last evaluated: 2020-05-25. Review status: criteria provided, single submitter. Criteria: ACMG Guidelines, 2015. Collection method: clinical testing. Allele origin: germline.
Comment: Based on the classification scheme VCGS_Germline_v1.1.1, this variant is classified as 3C-VUS. Following criteria are met: 0102 - Loss-of-function is a known mechanism of disease for this gene. (N) 0109 - This gene is known to be associated with X-linked recessive disease. (N) 0212 - Non-canonical splice variant without proven consequence on splicing (no functional evidence available) (intron 2). (P) 0253 - Variant is hemizygous. (N) 0301 - Variant is absent from gnomAD. (P) 0506 - Abnormal splicing is not predicted and nucleotide is poorly conserved. (B) 0705 - No comparable variants have previous evidence for pathogenicity. (N) 0807 - Variant has not previously been reported in a clinical context. (N) 0905 - No segregation evidence has been identified for this variant. (N) 1007 - No published functional evidence has been identified for this variant. (N) 1208 - Inheritance information for this variant is not currently available. (N) Legend: (P) - Pathogenic, (N) - Neutral, (B) - Benign

NM_000052.7(ATP7A):c.120+7T>C

Gene: ATP7A (ATPase copper transporting alpha; plus strand). Cytogenetic location: Xq21.1.
Variant type: single nucleotide variant.
Coding change: c.120+7T>C on transcript NM_000052.7 (MANE Select); 7 bases into the intron after coding-DNA position 120, T replaced by C.
Molecular consequence: intron variant.
Genome position (GRCh38, 1-based): chrX:77,971,768, T>C. VCF-style: chrX-77971768-T-C. GRCh37 (hg19) VCF-style: chrX-77227265-T-C.
Other names: c.120+7T>C (NM_001282224.2).
Identifiers: ClinVar variation 1699165 (VCV001699165.9), dbSNP rs2149073895, ClinGen allele CA923726162.